The following is an entry in ClinVar:

NM_152296.5(ATP1A3):c.841T>G (p.Phe281Val)

Gene: ATP1A3 (ATPase Na+/K+ transporting subunit alpha 3; minus strand). Cytogenetic location: 19q13.2.
Variant type: single nucleotide variant.
Coding change: c.841T>G on transcript NM_152296.5 (MANE Select); coding-DNA position 841, T replaced by G.
Protein change: p.Phe281Val; replaces phenylalanine 281 with valine.
Molecular consequence: missense variant.
Genome position (GRCh38, 1-based): chr19:41,985,070, A>C on the plus strand (T>G on the coding strand, the complement: ATP1A3 is on the minus strand). VCF-style: chr19-41985070-A-C. GRCh37 (hg19) VCF-style: chr19-42489222-A-C.
Other names: c.874T>G, p.Phe292Val (NM_001256213.2); c.880T>G, p.Phe294Val (NM_001256214.2); short protein forms F281V, F292V, F294V.
Identifiers: ClinVar variation 1481347 (VCV001481347.6), dbSNP rs2145977959, ClinGen allele CA406052852.

ClinVar aggregate classification (germline): Uncertain significance (1 of 4 stars; one submission).

Conditions:
Dystonia 12 (DYT12). Also called: Rapid-Onset Dystonia-Parkinsonism (RDP); DYT-ATP1A3. Identifiers: Orphanet 71517, MedGen C1868681, MONDO:0007496, OMIM 128235.

Submission:

Labcorp Genetics (formerly Invitae), Labcorp
Classification: Uncertain significance for Dystonia 12. Last evaluated: 2021-10-13. Review status: criteria provided, single submitter. Criteria: Invitae Variant Classification Sherloc (09022015). Collection method: clinical testing. Allele origin: germline.
Comment: This sequence change replaces phenylalanine with valine at codon 281 of the ATP1A3 protein (p.Phe281Val). The phenylalanine residue is highly conserved and there is a small physicochemical difference between phenylalanine and valine. This variant is not present in population databases (ExAC no frequency). This variant has not been reported in the literature in individuals affected with ATP1A3-related conditions. Advanced modeling of protein sequence and biophysical properties (such as structural, functional, and spatial information, amino acid conservation, physicochemical variation, residue mobility, and thermodynamic stability) performed at Invitae indicates that this missense variant is expected to disrupt ATP1A3 protein function. In summary, the available evidence is currently insufficient to determine the role of this variant in disease. Therefore, it has been classified as a Variant of Uncertain Significance.